The following is an entry in ClinVar:

NM_004260.4(RECQL4):c.2674G>A (p.Gly892Arg)

Gene: RECQL4 (RecQ like helicase 4; minus strand). Cytogenetic location: 8q24.3.
Variant type: single nucleotide variant.
Coding change: c.2674G>A on transcript NM_004260.4 (MANE Select); coding-DNA position 2674, G replaced by A.
Protein change: p.Gly892Arg; replaces glycine 892 with arginine.
Molecular consequence: missense variant.
Genome position (GRCh38, 1-based): chr8:144,512,928, C>T on the plus strand (G>A on the coding strand, the complement: RECQL4 is on the minus strand). VCF-style: chr8-144512928-C-T. GRCh37 (hg19) VCF-style: chr8-145738311-C-T.
Other names: short protein forms G892R.
Identifiers: ClinVar variation 863724 (VCV000863724.6), dbSNP rs1407549287, ClinGen allele CA372675401.

ClinVar aggregate classification (germline): Uncertain significance (1 of 4 stars; one submission).

Conditions:
Baller-Gerold syndrome (BGS). Also called: CRANIOSYNOSTOSIS WITH RADIAL DEFECTS. Identifiers: Orphanet 1225, MedGen C0265308, MONDO:0009039, OMIM 218600.

Allele frequency attached by ClinVar (database versions not stated): TOPMed below 0.00001; gnomAD 0.00001.
gnomAD v4.1: 2 of 1,579,790 alleles (0.00013%); highest among the groups gnomAD compares: Non-Finnish European, 0.000086%; no homozygotes.

Submission:

Labcorp Genetics (formerly Invitae), Labcorp
Classification: Uncertain significance for Baller-Gerold syndrome. Last evaluated: 2025-07-31. Review status: criteria provided, single submitter. Criteria: Invitae Variant Classification Sherloc (09022015). Collection method: clinical testing. Allele origin: germline.
Comment: This sequence change replaces glycine, which is neutral and non-polar, with arginine, which is basic and polar, at codon 892 of the RECQL4 protein (p.Gly892Arg). This variant is present in population databases (no rsID available, gnomAD 0.007%). This variant has not been reported in the literature in individuals affected with RECQL4-related conditions. ClinVar contains an entry for this variant (Variation ID: 863724). Invitae Evidence Modeling of protein sequence and biophysical properties (such as structural, functional, and spatial information, amino acid conservation, physicochemical variation, residue mobility, and thermodynamic stability) indicates that this missense variant is not expected to disrupt RECQL4 protein function with a negative predictive value of 80%. In summary, the available evidence is currently insufficient to determine the role of this variant in disease. Therefore, it has been classified as a Variant of Uncertain Significance.